The following is an entry in ClinVar:

NM_003036.4(SKI):c.2007C>G (p.Asp669Glu)

Gene: SKI (SKI proto-oncogene; plus strand). Cytogenetic location: 1p36.32.
Variant type: single nucleotide variant.
Coding change: c.2007C>G on transcript NM_003036.4 (MANE Select); coding-DNA position 2007, C replaced by G.
Protein change: p.Asp669Glu; replaces aspartic acid 669 with glutamic acid.
Molecular consequence: missense variant.
Genome position (GRCh38, 1-based): chr1:2,306,585, C>G. VCF-style: chr1-2306585-C-G. GRCh37 (hg19) VCF-style: chr1-2238024-C-G.
Other names: p.D669E:GAC>GAG; short protein forms D669E.
Identifiers: ClinVar variation 213699 (VCV000213699.23), dbSNP rs750838146, ClinGen allele CA322743.

ClinVar aggregate classification (germline): Benign/Likely benign. Review status: criteria provided, multiple submitters, no conflicts (2 of 4 stars). 7 submissions from 7 submitters: Benign (3); Likely benign (2). 2 of the submissions do not count toward it. Last evaluated 2026-01-28.

Conditions:
Familial thoracic aortic aneurysm and aortic dissection (TAAD). Also called: Thoracic aortic aneurysms and dissections. Identifiers: Orphanet 91387, MedGen C4707243, MONDO:0019625.
Shprintzen-Goldberg syndrome (SGS). Also called: SHPRINTZEN-GOLDBERG CRANIOSYNOSTOSIS SYNDROME; CRANIOSYNOSTOSIS WITH ARACHNODACTYLY AND ABDOMINAL HERNIAS; Marfanoid disorder with craniosynostosis type 1; Marfanoid craniosynostosis syndrome; Shprintzen-Goldberg marfanoid syndrome. Identifiers: Orphanet 2462, MedGen C1321551, MONDO:0008426, OMIM 182212.

Allele frequency attached by ClinVar (database versions not stated): TOPMed 0.00062; ExAC 0.00367.
gnomAD v4.1: 975 of 1,542,760 alleles (0.063%); highest among the groups gnomAD compares: Non-Finnish European, 0.011%; 18 homozygotes.

Submissions (7):

Labcorp Genetics (formerly Invitae), Labcorp
Classification: Likely benign for Shprintzen-Goldberg syndrome. Last evaluated: 2026-01-28. Review status: criteria provided, single submitter. Criteria: Invitae Variant Classification Sherloc (09022015). Collection method: clinical testing. Allele origin: germline.

Blueprint Genetics
Classification: Benign. Last evaluated: 2024-11-25. Review status: criteria provided, single submitter. Criteria: ACMG Guidelines, 2015. Collection method: clinical testing. Allele origin: germline.

ARUP Laboratories, Molecular Genetics and Genomics, ARUP Laboratories
Classification: Likely benign for Shprintzen-Goldberg syndrome. Last evaluated: 2024-09-02. Review status: criteria provided, single submitter. Criteria: ARUP Molecular Germline Variant Investigation Process 2024. Collection method: clinical testing. Allele origin: germline.

GeneDx
Classification: Benign. Last evaluated: 2019-02-12. Review status: criteria provided, single submitter. Criteria: GeneDx Variant Classification Process June 2021. Collection method: clinical testing. Allele origin: germline. Affected: yes.
Comment: This variant is associated with the following publications: (PMID: 25519456)

Ambry Genetics
Classification: Benign for Familial thoracic aortic aneurysm and aortic dissection. Last evaluated: 2015-10-13. Review status: criteria provided, single submitter. Criteria: Ambry Variant Classification Scheme 2023. Collection method: clinical testing. Allele origin: germline.

Genome Diagnostics Laboratory, Amsterdam University Medical Center
Classification: Likely benign. Review status: no assertion criteria provided. Collection method: clinical testing. Allele origin: germline. Affected: yes. Study: VKGL Data-share Consensus. Not counted in ClinVar's aggregate classification.

Laboratory of Diagnostic Genome Analysis, Leiden University Medical Center (LUMC)
Classification: Likely benign. Review status: no assertion criteria provided. Collection method: clinical testing. Allele origin: germline. Affected: yes. Study: VKGL Data-share Consensus. Not counted in ClinVar's aggregate classification.